The following is an entry in ClinVar:

ClinVar aggregate classification (germline): Pathogenic (1 of 4 stars; one submission).

Conditions:
Inborn genetic diseases. Identifiers: MedGen C0950123, MeSH D030342.

Submission:

Ambry Genetics
Classification: Pathogenic for Inborn genetic diseases. Last evaluated: 2024-02-27. Review status: criteria provided, single submitter. Criteria: Ambry Variant Classification Scheme 2023. Collection method: clinical testing. Allele origin: germline.
Comment: The c.1347_1348delCT (p.C450Lfs*14) alteration, located in exon 9 (coding exon 9) of the SLC6A8 gene, consists of a deletion of 2 nucleotides from position 1347 to 1348, causing a translational frameshift with a predicted alternate stop codon after 14 amino acids. This alteration is expected to result in loss of function by premature protein truncation or nonsense-mediated mRNA decay. This variant was not reported in population-based cohorts in the Genome Aggregation Database (gnomAD). Based on the available evidence, this alteration is classified as pathogenic.

NM_005629.4(SLC6A8):c.1347_1348del (p.Cys450fs)

Gene: SLC6A8 (solute carrier family 6 member 8; plus strand). Cytogenetic location: Xq28.
Variant type: Microsatellite.
Coding change: c.1347_1348del on transcript NM_005629.4 (MANE Select); coding-DNA positions 1347 to 1348, 2 bases deleted (CT; older notation c.1347_1348delCT).
Protein change: p.Cys450fs; shifts the reading frame from cysteine 450.
Molecular consequence: frameshift variant.
Genome position (GRCh38, 1-based): chrX:153,694,222-153,694,223, CT deleted; deleting any 2 consecutive bases within chrX:153,694,220-153,694,223 gives the same sequence; the c. name uses the placement nearest the transcript's 3' end. VCF-style (leftmost placement, unchanged base first): chrX-153694219-CCT-C. GRCh37 (hg19) VCF-style: chrX-152959674-CCT-C.
Other names: c.1317_1318del, p.Cys440fs (NM_001142805.2); c.1002_1003del, p.Cys335fs (NM_001142806.1); short protein forms C335fs, C440fs, C450fs.
Identifiers: ClinVar variation 3165495 (VCV003165495.1), dbSNP rs2522166637, ClinGen allele CA2825002932.